The following is an entry in ClinVar:

ClinVar aggregate classification (germline): Benign (1 of 4 stars; one submission).

gnomAD v4.1: 3,304 of 1,583,236 alleles (0.21%); highest among the groups gnomAD compares: African/African-American, 3.9%; 52 homozygotes.

Submission:

Mayo Clinic Laboratories, Mayo Clinic
Classification: Benign. Last evaluated: 2024-06-25. Review status: criteria provided, single submitter. Criteria: ACMG Guidelines, 2015. Collection method: clinical testing. Allele origin: germline. Observed: 5 variant alleles.
Comment: BS1, BS2, BP4, BP7

NM_032564.5(DGAT2):c.72G>A (p.Gln24=)

Genes: DGAT2 (diacylglycerol O-acyltransferase 2; plus strand), LOC130006439 (ATAC-STARR-seq lymphoblastoid silent region 3775; plus strand). Cytogenetic location: 11q13.5.
Variant type: single nucleotide variant.
Coding change: c.72G>A on transcript NM_032564.5 (MANE Select); coding-DNA position 72, G replaced by A.
Protein change: p.Gln24=; no amino-acid change (glutamine 24 retained).
Molecular consequence: synonymous variant.
Genome position (GRCh38, 1-based): chr11:75,769,063, G>A. VCF-style: chr11-75769063-G-A. GRCh37 (hg19) VCF-style: chr11-75480108-G-A.
Other names: p.Gln24=; c.72G>A, p.Gln24= (NM_001253891.2).
Identifiers: ClinVar variation 4683652 (VCV004683652.1).